The following is an entry in ClinVar:

ClinVar aggregate classification (germline): Uncertain significance. Review status: criteria provided, multiple submitters, no conflicts (2 of 4 stars). 4 submissions from 4 submitters: Uncertain significance (4). Last evaluated 2025-12-09.

Conditions:
Autosomal dominant optic atrophy classic form (OPA1). Also called: KJER-TYPE OPTIC ATROPHY; OPTIC ATROPHY, JUVENILE; Optic Atrophy Type 1. Identifiers: Orphanet 98673, MedGen C0338508, MONDO:0008134, OMIM 165500.

gnomAD v4.1: 4 of 1,601,962 alleles (0.00025%); highest among the groups gnomAD compares: Middle Eastern, 0.066%; no homozygotes.

Submissions (4):

Labcorp Genetics (formerly Invitae), Labcorp
Classification: Uncertain significance. Last evaluated: 2025-12-09. Review status: criteria provided, single submitter. Criteria: Invitae Variant Classification Sherloc (09022015). Collection method: clinical testing. Allele origin: germline.
Comment: This sequence change replaces tyrosine, which is neutral and polar, with histidine, which is basic and polar, at codon 862 of the OPA1 protein (p.Tyr862His). This variant is not present in population databases (gnomAD no frequency). This missense change has been observed in individual(s) with clinical features of OPA1-related conditions (PMID: 26586986). This variant is also known as p.Tyr917His (c.2749T>C). ClinVar contains an entry for this variant (Variation ID: 4083386). Invitae Evidence Modeling of protein sequence and biophysical properties (such as structural, functional, and spatial information, amino acid conservation, physicochemical variation, residue mobility, and thermodynamic stability) indicates that this missense variant is not expected to disrupt OPA1 protein function with a negative predictive value of 80%. In summary, the available evidence is currently insufficient to determine the role of this variant in disease. Therefore, it has been classified as a Variant of Uncertain Significance.

Genomic Medicine Center of Excellence, King Faisal Specialist Hospital and Research Centre
Classification: Uncertain significance for Autosomal dominant optic atrophy classic form. Last evaluated: 2025-09-10. Review status: criteria provided, single submitter. Criteria: ACMG Guidelines, 2015. Collection method: clinical testing. Allele origin: germline.

GeneDx
Classification: Uncertain significance. Last evaluated: 2025-03-11. Review status: criteria provided, single submitter. Criteria: GeneDx Variant Classification Process June 2021. Collection method: clinical testing. Allele origin: germline. Affected: yes.
Comment: Identified in the heterozygous state in a patient with virtually no visual symptoms and incipient optic nerve pallor (PMID: 26586986); Not observed at significant frequency in large population cohorts (gnomAD); In silico analysis supports that this missense variant does not alter protein structure/function; This variant is associated with the following publications: (PMID: 26586986)

Blueprint Genetics
Classification: Uncertain significance. Last evaluated: 2024-09-04. Review status: criteria provided, single submitter. Criteria: ACMG Guidelines, 2015. Collection method: clinical testing. Allele origin: germline.

Literature cited by the submitters: PubMed 26586986 (cited by Labcorp Genetics (formerly Invitae), Labcorp).

NM_130837.3(OPA1):c.2749T>C (p.Tyr917His)

Gene: OPA1 (OPA1 mitochondrial dynamin like GTPase; plus strand). Cytogenetic location: 3q29.
Variant type: single nucleotide variant.
Coding change: c.2749T>C on transcript NM_130837.3 (MANE Select); coding-DNA position 2749, T replaced by C.
Protein change: p.Tyr917His; replaces tyrosine 917 with histidine.
Molecular consequence: missense variant.
Genome position (GRCh38, 1-based): chr3:193,664,967, T>C. VCF-style: chr3-193664967-T-C. GRCh37 (hg19) VCF-style: chr3-193382756-T-C.
Other names: c.2215T>C, p.Tyr739His (NM_001354663.2); c.2212T>C, p.Tyr738His (NM_001354664.2); c.2584T>C, p.Tyr862His (NM_015560.3); c.2476T>C, p.Tyr826His (NM_130831.3); c.2530T>C, p.Tyr844His (NM_130832.3); c.2587T>C, p.Tyr863His (NM_130833.3); c.2638T>C, p.Tyr880His (NM_130834.3); c.2641T>C, p.Tyr881His (NM_130835.3); and 1 more; short protein forms Y738H, Y739H, Y826H, Y844H, Y862H, Y863H, Y880H, Y881H.
Identifiers: ClinVar variation 4083386 (VCV004083386.4).
Genomic context (GRCh38, chr3:193,664,967, plus strand): 5'-AGAAGACATTTTTTAAAAACAGCTCTAAACCATTGTAACCTTTGTCGAAGAGGTTTTTAT[T>C]ACTACCAAAGGCATTTTGTAGATTCTGAGGTAAGGTTTCCAAAAACAAAGAGAAGTATTT-3'
Protein context (NP_570850.2, residues 907-927): HCNLCRRGFY[Tyr917His]YQRHFVDSEL